The following is an entry in ClinVar:

ClinVar aggregate classification (germline): Uncertain significance (1 of 4 stars; one submission).

Conditions:
Hereditary cancer-predisposing syndrome. Also called: Neoplastic Syndromes, Hereditary; Tumor predisposition; Hereditary Cancer Syndrome; Hereditary neoplastic syndrome. Identifiers: Orphanet 140162, MedGen C0027672, MeSH D009386, MONDO:0015356.

Submission:

Ambry Genetics
Classification: Uncertain significance for Hereditary cancer-predisposing syndrome. Last evaluated: 2024-08-17. Review status: criteria provided, single submitter. Criteria: Ambry Variant Classification Scheme 2023. Collection method: clinical testing. Allele origin: germline.
Comment: The p.E1886V variant (also known as c.5657A>T), located in coding exon 15 of the APC gene, results from an A to T substitution at nucleotide position 5657. The glutamic acid at codon 1886 is replaced by valine, an amino acid with dissimilar properties. This amino acid position is conserved. In addition, in silico predictors for this gene do not accurately predict pathogenicity. Based on the available evidence, the clinical significance of this variant remains unclear.

NM_000038.6(APC):c.5657A>T (p.Glu1886Val)

Gene: APC (APC regulator of Wnt signaling pathway; plus strand). Cytogenetic location: 5q22.2.
Variant type: single nucleotide variant.
Coding change: c.5657A>T on transcript NM_000038.6 (MANE Select); coding-DNA position 5657, A replaced by T.
Protein change: p.Glu1886Val; replaces glutamic acid 1886 with valine.
Molecular consequence: missense variant. On other transcripts: non-coding transcript variant (2).
Genome position (GRCh38, 1-based): chr5:112,841,251, A>T. VCF-style: chr5-112841251-A-T. GRCh37 (hg19) VCF-style: chr5-112176948-A-T.
Other names: c.5657A>T, p.Glu1886Val (NM_001127510.3, NM_001354895.2, NM_001407450.1); c.5603A>T, p.Glu1868Val (NM_001127511.3); c.5711A>T, p.Glu1904Val (NM_001354896.2, NM_001407447.1, NM_001407448.1 and 1 more transcripts); c.5687A>T, p.Glu1896Val (NM_001354897.2); c.5582A>T, p.Glu1861Val (NM_001354898.2); c.5573A>T, p.Glu1858Val (NM_001354899.2); c.5534A>T, p.Glu1845Val (NM_001354900.2); c.5480A>T, p.Glu1827Val (NM_001354901.2, NM_001407453.1); and 11 more; short protein forms E1502V, E1726V, E1785V, E1803V, E1858V, E1861V, E1868V, E1886V.
Identifiers: ClinVar variation 3410302 (VCV003410302.1).